The following is an entry in ClinVar:

ClinVar aggregate classification (germline): Conflicting classifications of pathogenicity. Review status: criteria provided, conflicting classifications (1 of 4 stars). 2 submissions from 2 submitters: Likely pathogenic (1); Uncertain significance (1). Last evaluated 2025-09-23.

Conditions:
Hereditary cancer-predisposing syndrome. Also called: Hereditary Cancer Syndrome; Hereditary neoplastic syndrome; Tumor predisposition; Neoplastic Syndromes, Hereditary. Identifiers: Orphanet 140162, MedGen C0027672, MeSH D009386, MONDO:0015356.
Familial cancer of breast. Also called: BREAST CANCER, FAMILIAL; Hereditary breast cancer; hereditary breast carcinoma. Identifiers: Orphanet 227535, MedGen C0346153, MONDO:0016419, OMIM 114480. Disease mechanism: loss of function.

Submissions (2):

Myriad Genetics, Inc.
Classification: Likely pathogenic for Familial cancer of breast. Last evaluated: 2025-09-23. Review status: criteria provided, single submitter. Criteria: Myriad Autosomal Dominant, Autosomal Recessive and X-Linked Classification Criteria (2023). Collection method: clinical testing. Allele origin: unknown.
Comment: This variant is considered likely pathogenic. This variant creates a frameshift predicted to result in premature protein truncation.

Ambry Genetics
Classification: Uncertain significance for Hereditary cancer-predisposing syndrome. Last evaluated: 2024-02-28. Review status: criteria provided, single submitter. Criteria: Ambry Variant Classification Scheme 2023. Collection method: clinical testing. Allele origin: germline.
Comment: The c.2289dupT variant, located in coding exon 11 of the BARD1 gene, results from a duplication of T at nucleotide position 2289, causing a translational frameshift with a predicted alternate stop codon (p.I764Yfs*8). This alteration occurs at the 3' terminus of the BARD1 gene, is not expected to trigger nonsense-mediated mRNAdecay, and only impacts the last 14 amino acids of the protein. The exact functional effect of this alteration is unknown. Since supporting evidence is limited at this time, the clinical significance of this alteration remains unclear.

NM_000465.4(BARD1):c.2289dup (p.Ile764fs)

Gene: BARD1 (BRCA1 associated RING domain 1; minus strand). Cytogenetic location: 2q35.
Variant type: Duplication.
Coding change: c.2289dup on transcript NM_000465.4 (MANE Select); coding-DNA position 2289, one base duplicated (T; older notation c.2289dupT).
Protein change: p.Ile764fs; shifts the reading frame from isoleucine 764.
Molecular consequence: frameshift variant. On other transcripts: non-coding transcript variant (3).
Genome position (GRCh38, 1-based): chr2:214,728,721, A duplicated on the plus strand (T on the coding strand, the reverse complement: BARD1 is on the minus strand); the first of 3 consecutive A bases (chr2:214,728,721-214,728,723); duplicating any one gives the same sequence. VCF-style (leftmost placement, unchanged base first): chr2-214728720-T-TA. GRCh37 (hg19) VCF-style: chr2-215593444-T-TA.
Other names: c.2232dup, p.Ile745fs (NM_001282543.2); c.936dup, p.Ile313fs (NM_001282545.2); c.879dup, p.Ile294fs (NM_001282548.2); c.750dup, p.Ile251fs (NM_001282549.2); short protein forms I251fs, I764fs, I294fs, I313fs, I745fs.
Identifiers: ClinVar variation 1789057 (VCV001789057.3), dbSNP rs1429930469, ClinGen allele CA2580065607.